The following is an entry in ClinVar:

ClinVar aggregate classification (germline): Likely benign. Review status: criteria provided, multiple submitters, no conflicts (2 of 4 stars). 3 submissions from 3 submitters: Likely benign (3). Last evaluated 2023-07-22.

Conditions:
Hereditary cancer-predisposing syndrome. Also called: Hereditary Cancer Syndrome; Hereditary neoplastic syndrome; Neoplastic Syndromes, Hereditary; Tumor predisposition. Identifiers: Orphanet 140162, MedGen C0027672, MeSH D009386, MONDO:0015356.
Multiple endocrine neoplasia, type 2 (MEN2). Identifiers: Orphanet 653, MedGen C4048306, MONDO:0019003. Disease mechanism: gain of function.

gnomAD v4.1: 3 of 1,602,310 alleles (0.00019%); highest among the groups gnomAD compares: South Asian, 0.0023%; no homozygotes.

Submissions (3):

All of Us Research Program, National Institutes of Health
Classification: Likely benign for Multiple endocrine neoplasia, type 2. Last evaluated: 2023-07-22. Review status: criteria provided, single submitter. Criteria: ACMG Guidelines, 2015. Collection method: clinical testing. Allele origin: germline. Inheritance: Autosomal dominant inheritance. Observed: 1 variant allele, 1 heterozygote.
Comment: This study involves interpretation of variants in research participants for the purpose of population health screening. Participant phenotype was not available at the time of variant classification. Additional details can be found in publication PMID: 35346344, PMCID: PMC8962531

Labcorp Genetics (formerly Invitae), Labcorp
Classification: Likely benign for Multiple endocrine neoplasia, type 2. Last evaluated: 2022-09-14. Review status: criteria provided, single submitter. Criteria: Invitae Variant Classification Sherloc (09022015). Collection method: clinical testing. Allele origin: germline.

Ambry Genetics
Classification: Likely benign for Hereditary cancer-predisposing syndrome. Last evaluated: 2020-04-12. Review status: criteria provided, single submitter. Criteria: Ambry Variant Classification Scheme 2023. Collection method: clinical testing. Allele origin: germline.

NM_020975.6(RET):c.1536G>A (p.Glu512=)

Gene: RET (ret proto-oncogene; plus strand). Cytogenetic location: 10q11.21.
Variant type: single nucleotide variant.
Coding change: c.1536G>A on transcript NM_020975.6 (MANE Select); coding-DNA position 1536, G replaced by A.
Protein change: p.Glu512=; no amino-acid change (glutamic acid 512 retained).
Molecular consequence: synonymous variant.
Genome position (GRCh38, 1-based): chr10:43,112,112, G>A. VCF-style: chr10-43112112-G-A. GRCh37 (hg19) VCF-style: chr10-43607560-G-A.
Other names: c.1536G>A, p.Glu512= (NM_000323.2, NM_001406743.1, NM_001406744.1 and 6 more transcripts); c.774G>A, p.Glu258= (NM_001355216.2); c.1407G>A, p.Glu469= (NM_001406761.1, NM_001406762.1, NM_001406764.1 and 1 more transcripts); c.1248G>A, p.Glu416= (NM_001406766.1, NM_001406767.1, NM_001406770.1); c.1140G>A, p.Glu380= (NM_001406769.1, NM_001406772.1); c.1098G>A, p.Glu366= (NM_001406771.1, NM_001406773.1); c.1011G>A, p.Glu337= (NM_001406774.1); c.810G>A, p.Glu270= (NM_001406775.1, NM_001406776.1, NM_001406777.1 and 1 more transcripts); and 5 more.
Identifiers: ClinVar variation 1774722 (VCV001774722.8), dbSNP rs1225794377, ClinGen allele CA469027605.